The following is an entry in ClinVar:

ClinVar aggregate classification (germline): Likely benign (1 of 4 stars; one submission).

Conditions:
LGI4-related disorder. Also called: LGI4-related condition.

gnomAD v4.1: 184 of 1,540,792 alleles (0.012%); highest among the groups gnomAD compares: Middle Eastern, 0.14%; no homozygotes.

Submission:

PreventionGenetics, part of Exact Sciences
Classification: Likely benign for LGI4-related condition. Last evaluated: 2026-02-09. Review status: criteria provided, single submitter. Criteria: ACMG Guidelines, 2015. Collection method: clinical testing. Allele origin: germline.
Comment: This variant is classified as likely benign based on ACMG/AMP sequence variant interpretation guidelines (Richards et al. 2015 PMID: 25741868, with internal and published modifications).

NM_139284.3(LGI4):c.843C>T (p.Phe281=)

Gene: LGI4 (leucine rich repeat LGI family member 4; minus strand). Cytogenetic location: 19q13.12.
Variant type: single nucleotide variant.
Coding change: c.843C>T on transcript NM_139284.3 (MANE Select); coding-DNA position 843, C replaced by T.
Protein change: p.Phe281=; no amino-acid change (phenylalanine 281 retained).
Molecular consequence: synonymous variant.
Genome position (GRCh38, 1-based): chr19:35,126,726, G>A on the plus strand (C>T on the coding strand, the complement: LGI4 is on the minus strand). VCF-style: chr19-35126726-G-A. GRCh37 (hg19) VCF-style: chr19-35617630-G-A.
Identifiers: ClinVar variation 4981090 (VCV004981090.1).